The following is an entry in ClinVar:

NM_030820.4(COL21A1):c.282T>C (p.Tyr94=)

Gene: COL21A1 (collagen type XXI alpha 1 chain; minus strand). Cytogenetic location: 6p12.1.
Variant type: single nucleotide variant.
Coding change: c.282T>C on transcript NM_030820.4 (MANE Select); coding-DNA position 282, T replaced by C.
Protein change: p.Tyr94=; no amino-acid change (tyrosine 94 retained).
Molecular consequence: synonymous variant. On other transcripts: non-coding transcript variant (3).
Genome position (GRCh38, 1-based): chr6:56,179,936, A>G on the plus strand (T>C on the coding strand, the complement: COL21A1 is on the minus strand). VCF-style: chr6-56179936-A-G. GRCh37 (hg19) VCF-style: chr6-56044734-A-G.
Other names: c.282T>C, p.Tyr94= (NM_001318751.2, NM_001318752.2).
Identifiers: ClinVar variation 3778167 (VCV003778167.7).

ClinVar aggregate classification (germline): Likely benign (1 of 4 stars; one submission).

gnomAD v4.1: 635 of 1,613,826 alleles (0.039%); highest among the groups gnomAD compares: Non-Finnish European, 0.049%; 1 homozygote.

Submission:

CeGaT Center for Human Genetics Tuebingen
Classification: Likely benign. Last evaluated: 2025-03-01. Review status: criteria provided, single submitter. Criteria: CeGaT Center For Human Genetics Tuebingen Variant Classification Criteria Version 2. Collection method: clinical testing. Allele origin: germline. Affected: yes. Observed: 1 variant allele.
Comment: COL21A1: BP4, BP7